The following is an entry in ClinVar:

ClinVar aggregate classification (germline): Conflicting classifications of pathogenicity. Review status: criteria provided, conflicting classifications (1 of 4 stars). 4 submissions from 4 submitters: Uncertain significance (2); Benign (1); Likely benign (1). Last evaluated 2024-09-11.

Conditions:
Retinal dystrophy. Also called: Inherited retinal dystrophy. Identifiers: Orphanet 71862, MedGen C0854723, MeSH D058499, MONDO:0019118, HP:0000556.
Inborn genetic diseases. Identifiers: MedGen C0950123, MeSH D030342.

Allele frequency attached by ClinVar (database versions not stated): TOPMed 0.00001; ExAC 0.00002; gnomAD 0.00002 and 0.00003; gnomAD exomes 0.00002 and 0.00004; 1000 Genomes Project 30x 0.00016; 1000 Genomes Project 0.00020.
gnomAD v4.1: 36 of 1,614,036 alleles (0.0022%); highest among the groups gnomAD compares: South Asian, 0.02%; no homozygotes.

Submissions (4):

Ambry Genetics
Classification: Uncertain significance for Inborn genetic diseases. Last evaluated: 2024-09-11. Review status: criteria provided, single submitter. Criteria: Ambry Variant Classification Scheme 2023. Collection method: clinical testing. Allele origin: germline.

Labcorp Genetics (formerly Invitae), Labcorp
Classification: Uncertain significance. Last evaluated: 2023-10-13. Review status: criteria provided, single submitter. Criteria: Invitae Variant Classification Sherloc (09022015). Collection method: clinical testing. Allele origin: germline.
Comment: This sequence change replaces arginine, which is basic and polar, with cysteine, which is neutral and slightly polar, at codon 814 of the TOPORS protein (p.Arg814Cys). This variant is present in population databases (rs539334628, gnomAD 0.02%). This variant has not been reported in the literature in individuals affected with TOPORS-related conditions. ClinVar contains an entry for this variant (Variation ID: 968786). Experimental studies and prediction algorithms are not available or were not evaluated, and the functional significance of this variant is currently unknown. In summary, the available evidence is currently insufficient to determine the role of this variant in disease. Therefore, it has been classified as a Variant of Uncertain Significance.

Dept Of Ophthalmology, Nagoya University
Classification: Benign for Retinal dystrophy. Last evaluated: 2023-10-01. Review status: criteria provided, single submitter. Criteria: Submitter's publication. Collection method: research. Allele origin: germline. Affected: yes.

Blueprint Genetics
Classification: Likely benign. Last evaluated: 2020-05-15. Review status: criteria provided, single submitter. Criteria: ACMG Guidelines, 2015. Collection method: clinical testing. Allele origin: germline.

NM_005802.5(TOPORS):c.2440C>T (p.Arg814Cys)

Gene: TOPORS (TOP1 binding arginine/serine rich protein, E3 ubiquitin ligase; minus strand). Cytogenetic location: 9p21.1.
Variant type: single nucleotide variant.
Coding change: c.2440C>T on transcript NM_005802.5 (MANE Select); coding-DNA position 2440, C replaced by T.
Protein change: p.Arg814Cys; replaces arginine 814 with cysteine.
Molecular consequence: missense variant.
Genome position (GRCh38, 1-based): chr9:32,542,085, G>A on the plus strand (C>T on the coding strand, the complement: TOPORS is on the minus strand). VCF-style: chr9-32542085-G-A. GRCh37 (hg19) VCF-style: chr9-32542083-G-A.
Other names: c.2245C>T, p.Arg749Cys (NM_001195622.2); short protein forms R749C, R814C.
Identifiers: ClinVar variation 968786 (VCV000968786.13), dbSNP rs539334628, ClinGen allele CA5020368.